The following is an entry in ClinVar:

ClinVar aggregate classification (germline): Benign/Likely benign. Review status: criteria provided, multiple submitters, no conflicts (2 of 4 stars). 5 submissions from 5 submitters: Benign (1); Likely benign (2). 2 of the submissions do not count toward it. Last evaluated 2025-04-14.

Conditions:
Kleefstra syndrome 1 (KLEFS1). Identifiers: Orphanet 261494, MedGen C0795833, MONDO:0027407, OMIM 610253.
EHMT1-related disorder. Also called: EHMT1-related condition.
Inborn genetic diseases. Identifiers: MedGen C0950123, MeSH D030342.

Allele frequency attached by ClinVar (database versions not stated): gnomAD 0.00004 and 0.00005; ExAC 0.00009; TOPMed 0.00009; ESP Exome Variant Server 0.00023.
gnomAD v4.1: 92 of 1,606,746 alleles (0.0057%); highest among the groups gnomAD compares: South Asian, 0.022%; no homozygotes.

Submissions (5):

Labcorp Genetics (formerly Invitae), Labcorp
Classification: Benign for Kleefstra syndrome 1. Last evaluated: 2025-04-14. Review status: criteria provided, single submitter. Criteria: Invitae Variant Classification Sherloc (09022015). Collection method: clinical testing. Allele origin: germline.

Blueprint Genetics
Classification: Likely benign. Last evaluated: 2023-11-01. Review status: criteria provided, single submitter. Criteria: ACMG Guidelines, 2015. Collection method: clinical testing. Allele origin: germline.

Ambry Genetics
Classification: Likely benign for Inborn genetic diseases. Last evaluated: 2017-05-01. Review status: criteria provided, single submitter. Criteria: Ambry Variant Classification Scheme 2023. Collection method: clinical testing. Allele origin: germline.

PreventionGenetics, part of Exact Sciences
Classification: Likely benign for EHMT1-related condition. Last evaluated: 2024-07-26. Review status: no assertion criteria provided. Collection method: clinical testing. Allele origin: germline. Not counted in ClinVar's aggregate classification.
Comment: This variant is classified as likely benign based on ACMG/AMP sequence variant interpretation guidelines (Richards et al. 2015 PMID: 25741868, with internal and published modifications).

Department of Pathology and Laboratory Medicine, Sinai Health System
Classification: Likely benign. Review status: no assertion criteria provided. Collection method: clinical testing. Allele origin: unknown. Affected: yes. Study: The Canadian Open Genetics Repository (COGR). Not counted in ClinVar's aggregate classification.
Comment: The EHMT1 p.Ala167Thr variant was not identified in the literature nor was it identified in Cosmic or LOVD 3.0. The variant was identified in dbSNP (ID: rs141282876) and in ClinVar (classified as a VUS by Invitae and as likely benign by Ambry Genetics). The variant was identified in control databases in 15 of 247106 chromosomes at a frequency of 0.000061 (Genome Aggregation Database Feb 27, 2017). The variant was observed in the following populations: South Asian in 10 of 30416 chromosomes (freq: 0.000329) and European (non-Finnish) in 5 of 111096 chromosomes (freq: 0.000045), but not in the African, Latino, Ashkenazi Jewish, East Asian, European (Finnish) or Other populations. The p.Ala167 residue is not conserved in mammals and computational analyses (PolyPhen-2, SIFT, AlignGVGD, BLOSUM, MutationTaster) do not suggest a high likelihood of impact to the protein; however, this information is not predictive enough to rule out pathogenicity. The variant occurs outside of the splicing consensus sequence and in silico or computational prediction software programs (SpliceSiteFinder, MaxEntScan, NNSPLICE, GeneSplicer) do not predict a difference in splicing. In summary, based on the above information the clinical significance of this variant cannot be determined with certainty at this time although we would lean towards a more benign role for this variant. This variant is classified as likely benign.

NM_024757.5(EHMT1):c.499G>A (p.Ala167Thr)

Gene: EHMT1 (euchromatic histone lysine methyltransferase 1; plus strand). Cytogenetic location: 9q34.3.
Variant type: single nucleotide variant.
Coding change: c.499G>A on transcript NM_024757.5 (MANE Select); coding-DNA position 499, G replaced by A.
Protein change: p.Ala167Thr; replaces alanine 167 with threonine.
Molecular consequence: missense variant.
Genome position (GRCh38, 1-based): chr9:137,717,039, G>A. VCF-style: chr9-137717039-G-A. GRCh37 (hg19) VCF-style: chr9-140611491-G-A.
Other names: c.499G>A, p.Ala167Thr (NM_001145527.2, NM_001354263.2, NM_001354611.2); c.406G>A, p.Ala136Thr (NM_001354259.2, NM_001354612.2); short protein forms A167T, A136T.
Identifiers: ClinVar variation 531857 (VCV000531857.16), dbSNP rs141282876, ClinGen allele CA5374323.